The following is an entry in ClinVar:

ClinVar aggregate classification (germline): Uncertain significance (1 of 4 stars; one submission).

Conditions:
Familial thoracic aortic aneurysm and aortic dissection (TAAD). Also called: Thoracic aortic aneurysms and dissections. Identifiers: Orphanet 91387, MedGen C4707243, MONDO:0019625.

Submission:

Ambry Genetics
Classification: Uncertain significance for Familial thoracic aortic aneurysm and aortic dissection. Last evaluated: 2026-08-10. Review status: criteria provided, single submitter. Criteria: Ambry Variant Classification Scheme 2023. Collection method: clinical testing. Allele origin: germline.
Comment: The p.W419C variant (also known as c.1257G>T), located in coding exon 12 of the PLOD1 gene, results from a G to T substitution at nucleotide position 1257. The tryptophan at codon 419 is replaced by cysteine, an amino acid with highly dissimilar properties. This amino acid position is conserved. In addition, this alteration is predicted to be deleterious by in silico analysis. Based on the available evidence, the clinical significance of this variant remains unclear.

NM_000302.4(PLOD1):c.1257G>T (p.Trp419Cys)

Gene: PLOD1 (procollagen-lysine,2-oxoglutarate 5-dioxygenase 1; plus strand). Cytogenetic location: 1p36.22.
Variant type: single nucleotide variant.
Coding change: c.1257G>T on transcript NM_000302.4 (MANE Select); coding-DNA position 1257, G replaced by T.
Protein change: p.Trp419Cys; replaces tryptophan 419 with cysteine.
Molecular consequence: missense variant.
Genome position (GRCh38, 1-based): chr1:11,964,229, G>T. VCF-style: chr1-11964229-G-T. GRCh37 (hg19) VCF-style: chr1-12024286-G-T.
Other names: c.1398G>T, p.Trp466Cys (NM_001316320.2); short protein forms W419C, W466C.
Identifiers: ClinVar variation 5026851 (VCV005026851.1).